The following is an entry in ClinVar:

ClinVar aggregate classification (germline): not provided (0 of 4 stars; one submission).

Conditions:
Preeclampsia. Identifiers: Orphanet 275555, MedGen C0032914, MONDO:0005081, HP:0100602.

Submission:

Institute of Molecular and Cell Biology, University of Tartu
No classification provided. Condition: Preeclampsia. Review status: no classification provided. Collection method: case-control. Allele origin: unknown. Affected: yes. Study: Kasak2014.
Comment: The study aimed to determine the contribution of copy number variants in the genetic etiology of normal and complicated pregnancies. The samples represented (i) maternal blood DNA drawn from healthy pregnant women during 1st or 2nd trimester and (ii) maternal and paternal blood DNA drawn at term pregnancy cases representing normal and complicated gestations (severe preeclampsia, PE; gestational diabetes, GD; small-for-gestational age newborn, SGA; large-for-gestational age newborn, LGA). We performed CNV calling based on genome-wide genotyping dataset (Illumina HumanOmniExpress-24-v1 BeadChip) by applying three algorithms, QuantiSNP, GADA (Genome Alteration Detection Algorithm) and CNstream in parallel. The acquired CNV calls were merged with HD-CNV (Hotspot Detector for Copy Number Variants) program and only the CNVs predicted by at least two programs, were considered in subsequent analysis.

Literature cited by the submitters: PubMed 25666259.

NC_000012.12:g.31106438_31256645dup

Genes: LOC129390426 (MPRA-validated peak1651 silencer; plus strand), LOC132090103 (Neanderthal introgressed variant-containing enhancer experimental_28233; plus strand). Cytogenetic location: 12p11.21.
Variant type: Duplication.
Identifiers: ClinVar variation 157248 (VCV000157248.3).